The following is an entry in ClinVar:

ClinVar aggregate classification (germline): Likely benign. Review status: criteria provided, multiple submitters, no conflicts (2 of 4 stars). 3 submissions from 3 submitters: Likely benign (3). Last evaluated 2025-09-24.

Allele frequency attached by ClinVar (database versions not stated): TOPMed 0.00001.

Submissions (3):

Labcorp Genetics (formerly Invitae), Labcorp
Classification: Likely benign. Last evaluated: 2025-09-24. Review status: criteria provided, single submitter. Criteria: Invitae Variant Classification Sherloc (09022015). Collection method: clinical testing. Allele origin: germline.

Blueprint Genetics
Classification: Likely benign. Last evaluated: 2023-12-19. Review status: criteria provided, single submitter. Criteria: ACMG Guidelines, 2015. Collection method: clinical testing. Allele origin: germline.

GeneDx
Classification: Likely benign. Last evaluated: 2017-12-26. Review status: criteria provided, single submitter. Criteria: GeneDx Variant Classification (06012015). Collection method: clinical testing. Allele origin: germline. Affected: yes.
Comment: This variant is considered likely benign or benign based on one or more of the following criteria: it is a conservative change, it occurs at a poorly conserved position in the protein, it is predicted to be benign by multiple in silico algorithms, and/or has population frequency not consistent with disease.

NM_017837.4(PIGV):c.354G>C (p.Ser118=)

Gene: PIGV (phosphatidylinositol glycan anchor biosynthesis class V; plus strand). Cytogenetic location: 1p36.11.
Variant type: single nucleotide variant.
Coding change: c.354G>C on transcript NM_017837.4 (MANE Select); coding-DNA position 354, G replaced by C.
Protein change: p.Ser118=; no amino-acid change (serine 118 retained).
Molecular consequence: synonymous variant. On other transcripts: 5 prime UTR variant (1), non-coding transcript variant (1), intron variant (3).
Genome position (GRCh38, 1-based): chr1:26,794,388, G>C. VCF-style: chr1-26794388-G-C. GRCh37 (hg19) VCF-style: chr1-27120879-G-C.
Other names: c.354G>C, p.Ser118= (NM_001202554.2, NM_001374478.1, NM_001374480.1 and 2 more transcripts); c.-28G>C (NM_001374483.1); c.172+182G>C (NM_001374484.1, NM_001374485.1); c.79-3175G>C (NM_001374486.1).
Identifiers: ClinVar variation 514125 (VCV000514125.10), dbSNP rs765982367, ClinGen allele CA708046.